The following is an entry in ClinVar:

NM_001164508.2(NEB):c.8600A>G (p.Tyr2867Cys)

Gene: NEB (nebulin; minus strand). Cytogenetic location: 2q23.3.
Variant type: single nucleotide variant.
Coding change: c.8600A>G on transcript NM_001164508.2 (MANE Select); coding-DNA position 8600, A replaced by G.
Protein change: p.Tyr2867Cys; replaces tyrosine 2867 with cysteine.
Molecular consequence: missense variant.
Genome position (GRCh38, 1-based): chr2:151,640,440, T>C on the plus strand (A>G on the coding strand, the complement: NEB is on the minus strand). VCF-style: chr2-151640440-T-C. GRCh37 (hg19) VCF-style: chr2-152496954-T-C.
Other names: c.8600A>G, p.Tyr2867Cys (NM_001164507.2, NM_001271208.2, NM_004543.5); short protein forms Y2867C.
Identifiers: ClinVar variation 5006094 (VCV005006094.2).

ClinVar aggregate classification (germline): Uncertain significance (1 of 4 stars; one submission).

Conditions:
Arthrogryposis multiplex congenita 6. Identifiers: MedGen C5543431, MONDO:0030281, OMIM 619334.
Nemaline myopathy 2 (NEM2). Also called: Nemaline myopathy 2, autosomal recessive. Identifiers: MedGen C1850569, MONDO:0009725, OMIM 256030.

gnomAD v4.1: 1 of 1,613,876 alleles (0.000062%); highest among the groups gnomAD compares: African/African-American, 0.0013%; no homozygotes.

Submission:

Juno Genomics, Hangzhou Juno Genomics, Inc
Classification: Uncertain significance for Arthrogryposis multiplex congenita 6; Nemaline myopathy 2. Review status: criteria provided, single submitter. Criteria: ACMG Guidelines, 2015. Collection method: clinical testing. Allele origin: germline.
Comment: Absent from controls (or at extremely low frequency if recessive) in Genome Aggregation Database.;Multiple lines of computational evidence support a deleterious effect on the gene or gene product.